The following is an entry in ClinVar:

NM_005559.4(LAMA1):c.4591A>G (p.Arg1531Gly)

Gene: LAMA1 (laminin subunit alpha 1; minus strand). Cytogenetic location: 18p11.31.
Variant type: single nucleotide variant.
Coding change: c.4591A>G on transcript NM_005559.4 (MANE Select); coding-DNA position 4591, A replaced by G.
Protein change: p.Arg1531Gly; replaces arginine 1531 with glycine.
Molecular consequence: missense variant.
Genome position (GRCh38, 1-based): chr18:6,999,517, T>C on the plus strand (A>G on the coding strand, the complement: LAMA1 is on the minus strand). VCF-style: chr18-6999517-T-C. GRCh37 (hg19) VCF-style: chr18-6999516-T-C.
Other names: short protein forms R1531G.
Identifiers: ClinVar variation 2185124 (VCV002185124.4), dbSNP rs142217818, ClinGen allele CA8881874.
Genomic context (GRCh38, chr18:6,999,517, plus strand): 5'-TTTCCATCAGAATGTGCCTCGGTTCACACTCATCGCACCGGAGCCCCGAGGCCCCCAGCC[T>C]GCAAACGCACTGCCCAGATGTGCGGTCACAGTCACCGTGGACAGAGCCGTGCGGGTTGCA-3'
Protein context (NP_005550.2, residues 1521-1541): CDRTSGQCVC[Arg1531Gly]LGASGLRCDE

ClinVar aggregate classification (germline): Uncertain significance (1 of 4 stars; one submission).

gnomAD v4.1: 14 of 1,613,976 alleles (0.00087%); highest among the groups gnomAD compares: Admixed American, 0.0033%; no homozygotes.

Submission:

Labcorp Genetics (formerly Invitae), Labcorp
Classification: Uncertain significance. Last evaluated: 2023-07-17. Review status: criteria provided, single submitter. Criteria: Invitae Variant Classification Sherloc (09022015). Collection method: clinical testing. Allele origin: germline.
Comment: In summary, the available evidence is currently insufficient to determine the role of this variant in disease. Therefore, it has been classified as a Variant of Uncertain Significance. Advanced modeling of protein sequence and biophysical properties (such as structural, functional, and spatial information, amino acid conservation, physicochemical variation, residue mobility, and thermodynamic stability) performed at Invitae indicates that this missense variant is not expected to disrupt LAMA1 protein function. ClinVar contains an entry for this variant (Variation ID: 2185124). This variant has not been reported in the literature in individuals affected with LAMA1-related conditions. This variant is present in population databases (rs142217818, gnomAD 0.005%). This sequence change replaces arginine, which is basic and polar, with glycine, which is neutral and non-polar, at codon 1531 of the LAMA1 protein (p.Arg1531Gly).